The following is an entry in ClinVar:

NM_002637.4(PHKA1):c.778C>T (p.Leu260Phe)

Gene: PHKA1 (phosphorylase kinase regulatory subunit alpha 1; minus strand). Cytogenetic location: Xq13.1.
Variant type: single nucleotide variant.
Coding change: c.778C>T on transcript NM_002637.4 (MANE Select); coding-DNA position 778, C replaced by T.
Protein change: p.Leu260Phe; replaces leucine 260 with phenylalanine.
Molecular consequence: missense variant.
Genome position (GRCh38, 1-based): chrX:72,666,237, G>A on the plus strand (C>T on the coding strand, the complement: PHKA1 is on the minus strand). VCF-style: chrX-72666237-G-A. GRCh37 (hg19) VCF-style: chrX-71886087-G-A.
Other names: c.778C>T, p.Leu260Phe (NM_001122670.2, NM_001172436.2); short protein forms L260F.
Identifiers: ClinVar variation 1309858 (VCV001309858.9), dbSNP rs781803498, ClinGen allele CA10450999.

ClinVar aggregate classification (germline): Conflicting classifications of pathogenicity. Review status: criteria provided, conflicting classifications (1 of 4 stars). 5 submissions from 5 submitters: Uncertain significance (4); Likely benign (1). Last evaluated 2026-01-29.

Conditions:
Glycogen storage disease IXd (GSD9D). Also called: GSD IXd; Muscle Phosphorylase Kinase Deficiency. Identifiers: Orphanet 715, MedGen C1845151, MONDO:0010362, OMIM 300559.
Inborn genetic diseases. Identifiers: MedGen C0950123, MeSH D030342.

Allele frequency attached by ClinVar (database versions not stated): gnomAD 0.00004; gnomAD exomes 0.00005 and 0.00010; 1000 Genomes Project 30x 0.00021; TOPMed below 0.00001; ExAC 0.00015.
gnomAD v4.1: 59 of 1,208,131 alleles (0.0049%); highest among the groups gnomAD compares: South Asian, 0.097%; no homozygotes.

Submissions (5):

Labcorp Genetics (formerly Invitae), Labcorp
Classification: Likely benign for Glycogen storage disease IXd. Last evaluated: 2026-01-29. Review status: criteria provided, single submitter. Criteria: Invitae Variant Classification Sherloc (09022015). Collection method: clinical testing. Allele origin: germline.

Dasa
Classification: Uncertain significance. Last evaluated: 2025-12-30. Review status: criteria provided, single submitter. Criteria: DASA Assertion Criteria. Collection method: clinical testing. Allele origin: germline.
Comment: NM_002637.4(PHKA1):c.778C>T (p.Leu260Phe) is a missense variant that results in the substitution of leucine with phenylalanine. This variant is rare in population databases. Computational prediction algorithms are consistent with a deleterious effect. The currently available literature and clinical evidence are not sufficient to establish a definitive association between this variant and the reported condition. Therefore, this variant is classified as a variant of uncertain significance.

Ambry Genetics
Classification: Uncertain significance for Inborn genetic diseases. Last evaluated: 2024-08-27. Review status: criteria provided, single submitter. Criteria: Ambry Variant Classification Scheme 2023. Collection method: clinical testing. Allele origin: germline.

Revvity Omics, Revvity
Classification: Uncertain significance for Glycogen storage disease IXd. Last evaluated: 2024-02-27. Review status: criteria provided, single submitter. Criteria: ACMG Guidelines, 2015. Collection method: clinical testing. Allele origin: germline.

GeneDx
Classification: Uncertain significance. Last evaluated: 2019-11-04. Review status: criteria provided, single submitter. Criteria: GeneDx Variant Classification Process June 2021. Collection method: clinical testing. Allele origin: germline. Affected: yes.
Comment: Has not been previously published as pathogenic or benign to our knowledge; In silico analysis, which includes protein predictors and evolutionary conservation, supports a deleterious effect